The following is an entry in ClinVar:

ClinVar aggregate classification (germline): Pathogenic (1 of 4 stars; one submission).

Submission:

Labcorp Genetics (formerly Invitae), Labcorp
Classification: Pathogenic. Last evaluated: 2023-09-03. Review status: criteria provided, single submitter. Criteria: Invitae Variant Classification Sherloc (09022015). Collection method: clinical testing. Allele origin: germline.
Comment: This variant is not present in population databases (gnomAD no frequency). This sequence change creates a premature translational stop signal (p.Leu1397Serfs*54) in the POLE gene. It is expected to result in an absent or disrupted protein product. Loss-of-function variants in POLE are known to be pathogenic (PMID: 23230001, 25948378, 30503519). This variant has not been reported in the literature in individuals affected with POLE-related conditions. For these reasons, this variant has been classified as Pathogenic.

Literature cited by the submitters: PubMed 23230001; PubMed 25948378; PubMed 30503519.

NM_006231.4(POLE):c.4189_4195del (p.Leu1397fs)

Gene: POLE (DNA polymerase epsilon, catalytic subunit; minus strand). Cytogenetic location: 12q24.33.
Variant type: Deletion.
Coding change: c.4189_4195del on transcript NM_006231.4 (MANE Select); coding-DNA positions 4189 to 4195, 7 bases deleted (CTCTATG; older notation c.4189_4195delCTCTATG).
Protein change: p.Leu1397fs; shifts the reading frame from leucine 1397.
Molecular consequence: frameshift variant.
Genome position (GRCh38, 1-based): chr12:132,643,932-132,643,938, CATAGAG deleted on the plus strand (CTCTATG on the coding strand, the reverse complement: POLE is on the minus strand). VCF-style (leftmost placement, unchanged base first): chr12-132643931-TCATAGAG-T. GRCh37 (hg19) VCF-style: chr12-133220517-TCATAGAG-T.
Other names: short protein forms L1397fs.
Identifiers: ClinVar variation 2797077 (VCV002797077.3), dbSNP rs2541902277, ClinGen allele CA2575359003.